The following is an entry in ClinVar:

NM_001374736.1(DST):c.12866A>G (p.Asp4289Gly)

Gene: DST (dystonin; minus strand). Cytogenetic location: 6p12.1.
Variant type: single nucleotide variant.
Coding change: c.12866A>G on transcript NM_001374736.1 (MANE Select); coding-DNA position 12866, A replaced by G.
Protein change: p.Asp4289Gly; replaces aspartic acid 4289 with glycine.
Molecular consequence: missense variant.
Genome position (GRCh38, 1-based): chr6:56,592,219, T>C on the plus strand (A>G on the coding strand, the complement: DST is on the minus strand). VCF-style: chr6-56592219-T-C. GRCh37 (hg19) VCF-style: chr6-56457017-T-C.
Other names: c.6509A>G, p.Asp2170Gly (NM_001144769.5); c.6095A>G, p.Asp2032Gly (NM_001144770.2); c.12866A>G, p.Asp4289Gly (NM_001374722.1); c.12233A>G, p.Asp4078Gly (NM_001374729.1); c.5975A>G, p.Asp1992Gly (NM_001374730.1, NM_001386100.1, NM_183380.4); c.12893A>G, p.Asp4298Gly (NM_001374734.1); c.4997A>G, p.Asp1666Gly (NM_015548.5); short protein forms D1992G, D4078G, D1666G, D4298G, D2032G, D2170G, D4289G.
Identifiers: ClinVar variation 1472310 (VCV001472310.6), dbSNP rs765629290, ClinGen allele CA3868372.

ClinVar aggregate classification (germline): Uncertain significance (1 of 4 stars; one submission).

Conditions:
Hereditary sensory and autonomic neuropathy type 6. Also called: HSAN VI; Neuropathy, hereditary sensory and autonomic, type VI. Identifiers: Orphanet 314381, MedGen C3539003, MONDO:0013839, OMIM 614653.
Epidermolysis bullosa simplex 3, localized or generalized intermediate, with BP230 deficiency (EBS3). Also called: Epidermolysis bullosa simplex, autosomal recessive 2; Epidermolysis bullosa simplex due to BP230 deficiency. Identifiers: Orphanet 412181, MedGen C3809470, MONDO:0014180, OMIM 615425.

Allele frequency attached by ClinVar (database versions not stated): gnomAD exomes 0.00001 and 0.00002; ExAC 0.00002.
gnomAD v4.1: 35 of 1,613,650 alleles (0.0022%); highest among the groups gnomAD compares: Non-Finnish European, 0.003%; no homozygotes.

Submission:

Labcorp Genetics (formerly Invitae), Labcorp
Classification: Uncertain significance for Epidermolysis bullosa simplex 3, localized or generalized intermediate, with BP230 deficiency; Hereditary sensory and autonomic neuropathy type 6. Last evaluated: 2021-04-05. Review status: criteria provided, single submitter. Criteria: Invitae Variant Classification Sherloc (09022015). Collection method: clinical testing. Allele origin: germline.
Comment: In summary, the available evidence is currently insufficient to determine the role of this variant in disease. Therefore, it has been classified as a Variant of Uncertain Significance. Experimental studies and prediction algorithms are not available or were not evaluated, and the functional significance of this variant is currently unknown. This variant has not been reported in the literature in individuals with DST-related conditions. This variant is present in population databases (rs765629290, ExAC 0.003%). This sequence change replaces aspartic acid with glycine at codon 1666 of the DST protein (p.Asp1666Gly). The DST gene has multiple clinically relevant transcripts. This variant occurs in alternate transcript NM_015548.4, and corresponds to NM_001723.5:c.*23298A>G in the primary transcript.